The following is an entry in ClinVar:

NM_000094.4(COL7A1):c.1834A>G (p.Thr612Ala)

Gene: COL7A1 (collagen type VII alpha 1 chain; minus strand). Cytogenetic location: 3p21.31.
Variant type: single nucleotide variant.
Coding change: c.1834A>G on transcript NM_000094.4 (MANE Select); coding-DNA position 1834, A replaced by G.
Protein change: p.Thr612Ala; replaces threonine 612 with alanine.
Molecular consequence: missense variant.
Genome position (GRCh38, 1-based): chr3:48,590,531, T>C on the plus strand (A>G on the coding strand, the complement: COL7A1 is on the minus strand). VCF-style: chr3-48590531-T-C. GRCh37 (hg19) VCF-style: chr3-48627964-T-C.
Other names: short protein forms T612A.
Identifiers: ClinVar variation 1906425 (VCV001906425.4), dbSNP rs1279902804, ClinGen allele CA352728485.

ClinVar aggregate classification (germline): Uncertain significance (1 of 4 stars; one submission).

Allele frequency attached by ClinVar (database versions not stated): TOPMed below 0.00001; gnomAD 0.00001; gnomAD exomes 0.00001.

Submission:

Labcorp Genetics (formerly Invitae), Labcorp
Classification: Uncertain significance. Last evaluated: 2025-01-14. Review status: criteria provided, single submitter. Criteria: Invitae Variant Classification Sherloc (09022015). Collection method: clinical testing. Allele origin: germline.
Comment: This sequence change replaces threonine, which is neutral and polar, with alanine, which is neutral and non-polar, at codon 612 of the COL7A1 protein (p.Thr612Ala). This variant is present in population databases (no rsID available, gnomAD 0.002%). This variant has not been reported in the literature in individuals affected with COL7A1-related conditions. ClinVar contains an entry for this variant (Variation ID: 1906425). Invitae Evidence Modeling of protein sequence and biophysical properties (such as structural, functional, and spatial information, amino acid conservation, physicochemical variation, residue mobility, and thermodynamic stability) indicates that this missense variant is not expected to disrupt COL7A1 protein function with a negative predictive value of 95%. In summary, the available evidence is currently insufficient to determine the role of this variant in disease. Therefore, it has been classified as a Variant of Uncertain Significance.